The following is an entry in ClinVar:

NC_000015.9:g.(?_89758271)_(89758489_?)del

Gene: RLBP1 (retinaldehyde binding protein 1; minus strand). Cytogenetic location: 15q26.1.
Variant type: Deletion.
Identifiers: ClinVar variation 2422890 (VCV002422890.4).

ClinVar aggregate classification (germline): Pathogenic (1 of 4 stars; one submission).

Submission:

Labcorp Genetics (formerly Invitae), Labcorp
Classification: Pathogenic. Last evaluated: 2023-12-26. Review status: criteria provided, single submitter. Criteria: Invitae Variant Classification Sherloc (09022015). Collection method: clinical testing. Allele origin: germline.
Comment: This variant is a gross deletion of the genomic region encompassing exon(s) 6 of the RLBP1 gene. This deletion is out-of-frame, and is expected to create a premature termination codon and result in an absent or disrupted protein product. Loss-of-function variants in RLBP1 are known to be pathogenic (PMID: 2392416, 11301032, 21447491, 25429852). This variant has not been reported in the literature in individuals affected with RLBP1-related conditions. For these reasons, this variant has been classified as Pathogenic.

Literature cited by the submitters: PubMed 2392416; PubMed 11301032; PubMed 21447491; PubMed 25429852.